The following is an entry in ClinVar:

ClinVar aggregate classification (germline): Benign. Review status: criteria provided, single submitter (1 of 4 stars). 2 submissions from 2 submitters: Benign (1). 1 of the submissions does not count toward it. Last evaluated 2026-02-01.

Conditions:
DHX37-related disorder. Also called: DHX37-related condition; DHX37-Related Disorders.

Allele frequency attached by ClinVar (database versions not stated): gnomAD exomes 0.10852; ExAC 0.14106; gnomAD 0.19850; 1000 Genomes Project 0.20907; ESP Exome Variant Server 0.21563; 1000 Genomes Project 30x 0.21596; TOPMed 0.21790.
gnomAD v4.1: 189,731 of 1,613,044 alleles (12%); highest among the groups gnomAD compares: African/African-American, 44%; 16,189 homozygotes.

Submissions (14):

Labcorp Genetics (formerly Invitae), Labcorp
Classification: Benign. Last evaluated: 2026-02-01. Review status: criteria provided, single submitter. Criteria: Invitae Variant Classification Sherloc (09022015). Collection method: clinical testing. Allele origin: germline.

PreventionGenetics, part of Exact Sciences
Classification: Benign for DHX37-related condition. Last evaluated: 2019-10-30. Review status: no assertion criteria provided. Collection method: clinical testing. Allele origin: germline. Not counted in ClinVar's aggregate classification.
Comment: This variant is classified as benign based on ACMG/AMP sequence variant interpretation guidelines (Richards et al. 2015 PMID: 25741868, with internal and published modifications).

Dr. Peter K. Rogan Lab, Western University
No classification provided (evidence only). Condition: Familial cancer of breast. Review status: no classification provided. Collection method: in vitro. Allele origin: not applicable. Functional consequence: retained intron. Not counted in ClinVar's aggregate classification.

Dr. Peter K. Rogan Lab, Western University
No classification provided (evidence only). Condition: Colorectal cancer. Review status: no classification provided. Collection method: in vitro. Allele origin: not applicable. Functional consequence: retained intron. Not counted in ClinVar's aggregate classification.

Dr. Peter K. Rogan Lab, Western University
No classification provided (evidence only). Condition: Malignant lymphoma, large B-cell, diffuse. Review status: no classification provided. Collection method: in vitro. Allele origin: not applicable. Functional consequence: retained intron. Not counted in ClinVar's aggregate classification.

Dr. Peter K. Rogan Lab, Western University
No classification provided (evidence only). Condition: Malignant lymphoma, large B-cell, diffuse. Review status: no classification provided. Collection method: in vitro. Allele origin: not applicable. Functional consequence: retained intron. Not counted in ClinVar's aggregate classification.

Dr. Peter K. Rogan Lab, Western University
No classification provided (evidence only). Condition: Adrenocortical carcinoma, hereditary. Review status: no classification provided. Collection method: in vitro. Allele origin: not applicable. Functional consequence: retained intron. Not counted in ClinVar's aggregate classification.

Dr. Peter K. Rogan Lab, Western University
No classification provided (evidence only). Condition: Adrenocortical carcinoma, hereditary. Review status: no classification provided. Collection method: in vitro. Allele origin: not applicable. Functional consequence: retained intron. Not counted in ClinVar's aggregate classification.

Dr. Peter K. Rogan Lab, Western University
No classification provided (evidence only). Condition: Uterine carcinosarcoma. Review status: no classification provided. Collection method: in vitro. Allele origin: not applicable. Functional consequence: retained intron. Not counted in ClinVar's aggregate classification.

Dr. Peter K. Rogan Lab, Western University
No classification provided (evidence only). Condition: Uterine carcinosarcoma. Review status: no classification provided. Collection method: in vitro. Allele origin: not applicable. Functional consequence: retained intron. Not counted in ClinVar's aggregate classification.

Dr. Peter K. Rogan Lab, Western University
No classification provided (evidence only). Condition: Uterine carcinosarcoma. Review status: no classification provided. Collection method: in vitro. Allele origin: not applicable. Functional consequence: retained intron. Not counted in ClinVar's aggregate classification.

Dr. Peter K. Rogan Lab, Western University
No classification provided (evidence only). Condition: Uterine carcinosarcoma. Review status: no classification provided. Collection method: in vitro. Allele origin: not applicable. Functional consequence: retained intron. Not counted in ClinVar's aggregate classification.

Dr. Peter K. Rogan Lab, Western University
No classification provided (evidence only). Condition: Uterine carcinosarcoma. Review status: no classification provided. Collection method: in vitro. Allele origin: not applicable. Functional consequence: skipped exon. Not counted in ClinVar's aggregate classification.

Dr. Peter K. Rogan Lab, Western University
No classification provided (evidence only). Condition: Uveal melanoma. Review status: no classification provided. Collection method: in vitro. Allele origin: not applicable. Functional consequence: retained intron. Not counted in ClinVar's aggregate classification.

NM_032656.4(DHX37):c.1409-3C>T

Gene: DHX37 (DEAH-box helicase 37; minus strand). Cytogenetic location: 12q24.31.
Variant type: single nucleotide variant.
Coding change: c.1409-3C>T on transcript NM_032656.4 (MANE Select); 3 bases into the intron before coding-DNA position 1409, C replaced by T.
Molecular consequence: intron variant.
Genome position (GRCh38, 1-based): chr12:124,967,221, G>A on the plus strand (C>T on the coding strand, the complement: DHX37 is on the minus strand). VCF-style: chr12-124967221-G-A. GRCh37 (hg19) VCF-style: chr12-125451767-G-A.
Other names: c.1409-3C>T (NM_032656.3).
Identifiers: ClinVar variation 2122268 (VCV002122268.7), dbSNP rs60252902, ClinGen allele CA6872030.